The following is an entry in ClinVar:

NM_001277115.2(DNAH11):c.4552C>T (p.Gln1518Ter)

Gene: DNAH11 (dynein axonemal heavy chain 11; plus strand). Cytogenetic location: 7p15.3.
Variant type: single nucleotide variant.
Coding change: c.4552C>T on transcript NM_001277115.2 (MANE Select); coding-DNA position 4552, C replaced by T.
Protein change: p.Gln1518Ter; replaces glutamine 1518 with a stop codon.
Molecular consequence: nonsense.
Genome position (GRCh38, 1-based): chr7:21,635,922, C>T. VCF-style: chr7-21635922-C-T. GRCh37 (hg19) VCF-style: chr7-21675540-C-T.
Other names: NM_001277115.2(DNAH11):c.4552C>T; p.Gln1518Ter; c.4567C>T, p.Gln1523Ter (NM_003777.3); short protein forms Q1518*, Q1523*.
Identifiers: ClinVar variation 1810037 (VCV001810037.8), dbSNP rs369681389, ClinGen allele CA366933225.

ClinVar aggregate classification (germline): Pathogenic. Review status: criteria provided, multiple submitters, no conflicts (2 of 4 stars). 4 submissions from 4 submitters: Pathogenic (4). Last evaluated 2025-06-02.

Conditions:
Primary ciliary dyskinesia. Also called: Ciliary dyskinesia. Identifiers: Orphanet 244, MedGen C0008780, MONDO:0016575, HP:0012265.
Primary ciliary dyskinesia 7. Also called: CILIARY DYSKINESIA, PRIMARY, 7, WITH OR WITHOUT SITUS INVERSUS. Identifiers: Orphanet 244, MedGen C2678473, MONDO:0012748, OMIM 611884.

gnomAD v4.1: 4 of 1,613,140 alleles (0.00025%); highest among the groups gnomAD compares: Admixed American, 0.005%; no homozygotes.

Submissions (4):

Labcorp Genetics (formerly Invitae), Labcorp
Classification: Pathogenic for Primary ciliary dyskinesia. Last evaluated: 2025-06-02. Review status: criteria provided, single submitter. Criteria: Invitae Variant Classification Sherloc (09022015). Collection method: clinical testing. Allele origin: germline.
Comment: This sequence change creates a premature translational stop signal (p.Gln1518*) in the DNAH11 gene. It is expected to result in an absent or disrupted protein product. Loss-of-function variants in DNAH11 are known to be pathogenic (PMID: 18022865, 20513915, 22184204). This variant is present in population databases (no rsID available, gnomAD 0.003%). This premature translational stop signal has been observed in individual(s) with primary ciliary dyskinesia (PMID: 31879361). ClinVar contains an entry for this variant (Variation ID: 1810037). For these reasons, this variant has been classified as Pathogenic.

Broad Center for Mendelian Genomics, Broad Institute of MIT and Harvard
Classification: Pathogenic for Primary ciliary dyskinesia 7. Last evaluated: 2025-02-12. Review status: criteria provided, single submitter. Criteria: ACMG Guidelines, 2015. Collection method: curation. Allele origin: germline. Inheritance: Autosomal recessive inheritance.
Comment: The p.Gln1518Ter variant in DNAH11 has been reported, in the compound heterozygous state, in 1 individual with primary ciliary dyskinesia (PMID: 31879361) and has been identified in 0.005% (3/59932) of Admixed American chromosomes by the Genome Aggregation Database (gnomAD; dbSNP rs369681389). Although this variant has been seen in the general population in a heterozygous state, its frequency is low enough to be consistent with a recessive carrier frequency. This variant has also been reported in ClinVar (Variation ID: 1810037) and has been interpreted as likely pathogenic by GeneDx. This nonsense variant leads to a premature termination codon at position 1518, which is predicted to lead to a truncated or absent protein. Loss of function of the DNAH11 gene is an established disease mechanism in autosomal recessive primary ciliary dyskinesia. In summary, this variant meets criteria to be classified as pathogenic for autosomal recessive primary ciliary dyskinesia. ACMG/AMP Criteria applied: PVS1, PM2_supporting, PM3_supporting (Richards 2015).

Ambry Genetics
Classification: Pathogenic for Primary ciliary dyskinesia. Last evaluated: 2024-02-28. Review status: criteria provided, single submitter. Criteria: Ambry Variant Classification Scheme 2023. Collection method: clinical testing. Allele origin: germline.
Comment: The p.Q1518* pathogenic mutation (also known as c.4552C>T), located in coding exon 26 of the DNAH11 gene, results from a C to T substitution at nucleotide position 4552. This changes the amino acid from a glutamine to a stop codon within coding exon 26. This alteration is expected to result in loss of function by premature protein truncation or nonsense-mediated mRNA decay. As such, this alteration is interpreted as a disease-causing mutation.

GeneDx
Classification: Pathogenic. Last evaluated: 2023-09-04. Review status: criteria provided, single submitter. Criteria: GeneDx Variant Classification Process June 2021. Collection method: clinical testing. Allele origin: germline. Affected: yes.
Comment: Observed with another variant in DNAH11 in an individual with primary ciliary dyskinesia; however, it is unknown whether the variants are on the same allele (in cis) or on opposite alleles (in trans) (Fassad et al., 2020); Nonsense variant predicted to result in protein truncation or nonsense mediated decay in a gene for which loss of function is a known mechanism of disease; Not observed at significant frequency in large population cohorts (gnomAD); This variant is associated with the following publications: (PMID: 31879361)

Literature cited by the submitters: PubMed 18022865 (cited by Labcorp Genetics (formerly Invitae), Labcorp); PubMed 20513915 (cited by Labcorp Genetics (formerly Invitae), Labcorp); PubMed 22184204 (cited by Labcorp Genetics (formerly Invitae), Labcorp); PubMed 31879361 (cited by Labcorp Genetics (formerly Invitae), Labcorp).